The following is an entry in ClinVar:

NM_005006.7(NDUFS1):c.1423G>T (p.Val475Phe)

Gene: NDUFS1 (NADH:ubiquinone oxidoreductase core subunit S1; minus strand). Cytogenetic location: 2q33.3.
Variant type: single nucleotide variant.
Coding change: c.1423G>T on transcript NM_005006.7 (MANE Select); coding-DNA position 1423, G replaced by T.
Protein change: p.Val475Phe; replaces valine 475 with phenylalanine.
Molecular consequence: missense variant.
Genome position (GRCh38, 1-based): chr2:206,133,075, C>A on the plus strand (G>T on the coding strand, the complement: NDUFS1 is on the minus strand). VCF-style: chr2-206133075-C-A. GRCh37 (hg19) VCF-style: chr2-206997799-C-A.
Other names: c.1315G>T, p.Val439Phe (NM_001199981.2); c.1090G>T, p.Val364Phe (NM_001199982.2); c.1252G>T, p.Val418Phe (NM_001199983.2); c.1465G>T, p.Val489Phe (NM_001199984.2); short protein forms V475F, V364F, V418F, V489F, V439F.
Identifiers: ClinVar variation 214773 (VCV000214773.2), dbSNP rs139120428, ClinGen allele CA323546.
Genomic context (GRCh38, chr2:206,133,075, plus strand): 5'-TAGAAACAGCTGCAAGAATTGCTGCTCCATCATTTCTTTGGAGTGCAGAACTGCCTAAAA[C>A]CACCATTGGTTTTTTAGCTTCCTTTAGGACCTATTTAAAAAAAAAAACAACTTTGATTTT-3'
Protein context (NP_004997.4, residues 465-485): VLKEAKKPMV[Val475Phe]LGSSALQRND

ClinVar aggregate classification (germline): Uncertain significance (1 of 4 stars; one submission).

gnomAD v4.1: 2 of 1,613,280 alleles (0.00012%); highest among the groups gnomAD compares: Non-Finnish European, 0.00017%; no homozygotes.

Submission:

GeneDx
Classification: Uncertain significance. Last evaluated: 2013-04-05. Review status: criteria provided, single submitter. Criteria: GeneDx Variant Classification (06012015). Collection method: clinical testing. Allele origin: germline. Affected: yes.
Comment: .p.Val475Phe (GTT>TTT): c.1423 G>T in exon 14 of the NDUFS1 gene (NM_005006.5). The V475F missense substitution has not been published as a mutation, nor has it been reported as a benign polymorphism to our knowledge. The amino acid change is semi-conservative as both Valine and Phenylalanine are uncharged, non-polar amino acids, but the introduction of the larger Phenylalanine residue may impact the secondary structure of the NDUFS1 protein. This change occurs at a position in the NDUFS1 protein that is not highly conserved. In-silico analyses are not consistent in their predictions of whether V475F is damaging to the NDUFS1 protein. Therefore, based on the currently available information, it is unclear whether V475F is a disease-causing mutation or a rare benign variant. The variant is found in MITONUC-MITOP panel(s).